The following is an entry in ClinVar:

ClinVar aggregate classification (germline): Uncertain significance (1 of 4 stars; one submission).

Conditions:
Brugada syndrome. Also called: Sudden Unexplained Death Syndrome; Sudden unexpected nocturnal death syndrome; Sudden Unexplained Nocturnal Death Syndrome (SUNDS); Sudden unexplained nocturnal death syndrome. Identifiers: Orphanet 130, MedGen C1142166, MONDO:0015263.

gnomAD v4.1: 1 of 1,605,254 alleles (0.000062%); highest among the groups gnomAD compares: Non-Finnish European, 0.000085%; no homozygotes.

Submission:

Labcorp Genetics (formerly Invitae), Labcorp
Classification: Uncertain significance for Brugada syndrome. Last evaluated: 2025-11-08. Review status: criteria provided, single submitter. Criteria: Invitae Variant Classification Sherloc (09022015). Collection method: clinical testing. Allele origin: germline.
Comment: This sequence change replaces aspartic acid, which is acidic and polar, with valine, which is neutral and non-polar, at codon 321 of the SCN10A protein (p.Asp321Val). This variant is not present in population databases (gnomAD no frequency). This variant has not been reported in the literature in individuals affected with SCN10A-related conditions. Invitae Evidence Modeling of protein sequence and biophysical properties (such as structural, functional, and spatial information, amino acid conservation, physicochemical variation, residue mobility, and thermodynamic stability) indicates that this missense variant is not expected to disrupt SCN10A protein function with a negative predictive value of 80%. In summary, the available evidence is currently insufficient to determine the role of this variant in disease. Therefore, it has been classified as a Variant of Uncertain Significance.

NM_006514.4(SCN10A):c.962A>T (p.Asp321Val)

Gene: SCN10A (sodium voltage-gated channel alpha subunit 10; minus strand). Cytogenetic location: 3p22.2.
Variant type: single nucleotide variant.
Coding change: c.962A>T on transcript NM_006514.4 (MANE Select); coding-DNA position 962, A replaced by T.
Protein change: p.Asp321Val; replaces aspartic acid 321 with valine.
Molecular consequence: missense variant.
Genome position (GRCh38, 1-based): chr3:38,757,148, T>A on the plus strand (A>T on the coding strand, the complement: SCN10A is on the minus strand). VCF-style: chr3-38757148-T-A. GRCh37 (hg19) VCF-style: chr3-38798639-T-A.
Other names: c.962A>T, p.Asp321Val (NM_001293306.2, NM_001293307.2); short protein forms D321V.
Identifiers: ClinVar variation 4745814 (VCV004745814.1).